The following is an entry in ClinVar:

NM_001173990.3(TMEM216):c.216T>C (p.Ile72=)

Gene: TMEM216 (transmembrane protein 216; plus strand). Cytogenetic location: 11q12.2.
Variant type: single nucleotide variant.
Coding change: c.216T>C on transcript NM_001173990.3 (MANE Select); coding-DNA position 216, T replaced by C.
Protein change: p.Ile72=; no amino-acid change (isoleucine 72 retained).
Molecular consequence: synonymous variant.
Genome position (GRCh38, 1-based): chr11:61,393,963, T>C. VCF-style: chr11-61393963-T-C. GRCh37 (hg19) VCF-style: chr11-61161435-T-C.
Other names: c.216T>C, p.Ile72= (NM_001173991.3); c.33T>C, p.Ile11= (NM_001330285.2, NM_016499.6).
Identifiers: ClinVar variation 217706 (VCV000217706.20), dbSNP rs541666319, ClinGen allele CA277707.
Genomic context (GRCh38, chr11:61,393,963, plus strand): 5'-AACAGCTAACCTAGTACTGGATGTGGTGATGCTCCTCCTTTATCTTGGAATTGAAGTAAT[T>C]CGCCTGTTTTTTGGTAAGTGTTGTCCAGAGAATATTTCCACTCCTTATGAGACAAGCTGG-3'
Protein context (NP_001167461.1, residues 62-82): MLLLYLGIEV[Ile72=]RLFFGTKGNL

ClinVar aggregate classification (germline): Benign/Likely benign. Review status: criteria provided, multiple submitters, no conflicts (2 of 4 stars). 8 submissions from 8 submitters: Benign (2); Likely benign (3). 3 of the submissions do not count toward it. Last evaluated 2026-01-05.

Conditions:
Meckel syndrome, type 2 (MKS2). Also called: MKS2-Related Meckel Syndrome; MECKEL-GRUBER SYNDROME, TYPE 2. Identifiers: Orphanet 564, MedGen C1864148, MONDO:0011296, OMIM 603194.
Joubert syndrome 2 (JBTS2). Also called: CEREBELLOOCULORENAL SYNDROME 2. Identifiers: Orphanet 2318, MedGen C1842577, MONDO:0011963, OMIM 608091.
Inborn genetic diseases. Identifiers: MedGen C0950123, MeSH D030342.
Joubert syndrome. Also called: Familial aplasia of the vermis; JOUBERT-BOLTSHAUSER SYNDROME. Identifiers: Orphanet 475, MedGen C5979921, MONDO:0018772.

Allele frequency attached by ClinVar (database versions not stated): gnomAD below 0.00001 and 0.00013; TOPMed 0.00001; 1000 Genomes Project 30x 0.00016; 1000 Genomes Project 0.00020; gnomAD exomes 0.00031 and 0.00062; ExAC 0.00073.

Submissions (8):

Labcorp Genetics (formerly Invitae), Labcorp
Classification: Benign for Joubert syndrome. Last evaluated: 2026-01-05. Review status: criteria provided, single submitter. Criteria: Invitae Variant Classification Sherloc (09022015). Collection method: clinical testing. Allele origin: germline.

Ambry Genetics
Classification: Likely benign for Inborn genetic diseases. Last evaluated: 2025-02-04. Review status: criteria provided, single submitter. Criteria: Ambry Variant Classification Scheme 2023. Collection method: clinical testing. Allele origin: germline.

Blueprint Genetics
Classification: Likely benign. Last evaluated: 2024-05-28. Review status: criteria provided, single submitter. Criteria: ACMG Guidelines, 2015. Collection method: clinical testing. Allele origin: germline.

Fulgent Genetics
Classification: Likely benign for Meckel syndrome, type 2; Joubert syndrome 2. Last evaluated: 2024-03-08. Review status: criteria provided, single submitter. Criteria: ACMG Guidelines, 2015. Collection method: clinical testing. Allele origin: germline.

Women's Health and Genetics/Laboratory Corporation of America, LabCorp
Classification: Benign. Last evaluated: 2023-12-13. Review status: criteria provided, single submitter. Criteria: LabCorp Variant Classification Summary - May 2015. Collection method: clinical testing. Allele origin: germline.
Comment: Variant summary: TMEM216 c.216T>C results in a synonymous change. Consensus agreement among computation tools predict no significant impact on normal splicing. However, these predictions have yet to be confirmed by functional studies. The variant allele was found at a frequency of 0.00062 in 249232 control chromosomes, predominantly at a frequency of 0.005 within the South Asian subpopulation in the gnomAD database, including 1 homozygotes. The observed variant frequency within South Asian control individuals in the gnomAD database is approximately 13 fold of the estimated maximal expected allele frequency for a pathogenic variant in TMEM216 causing Joubert Syndrome And Related Disorders phenotype (0.0004), strongly suggesting that the variant is a benign polymorphism found primarily in populations of South Asian origin. To our knowledge, no occurrence of c.216T>C in individuals affected with Joubert Syndrome And Related Disorders and no experimental evidence demonstrating its impact on protein function have been reported. Four submitters have cited clinical-significance assessments for this variant to ClinVar after 2014. Based on the evidence outlined above, the variant was classified as benign.

Natera, Inc.
Classification: Benign for Joubert syndrome type 2. Last evaluated: 2020-09-16. Review status: no assertion criteria provided. Collection method: clinical testing. Allele origin: germline. Not counted in ClinVar's aggregate classification.

Reproductive Health Research and Development, BGI Genomics
Classification: Likely benign for Joubert syndrome 2. Last evaluated: 2020-01-06. Review status: no assertion criteria provided. Collection method: curation. Allele origin: germline. Not counted in ClinVar's aggregate classification.
Comment: NM_001173990.2:c.216T>C in the TMEM216 gene has an allele frequency of 0.005 in South Asian subpopulation in the gnomAD database. It is a synonymous (silent) variant for which splicing prediction algorithms predict no impact to the splice consensus sequence nor the creation of a new splice site and the nucleotide is not highly conserved. Bachmann-Gagescu et al reported that a patient with Joubert syndrome harboring this variant (PMID: 26092869). Taken together, we interprete this variant as Benign/Likely benign variant. ACMG/AMP criteria applied: BS1, BP7, PP4.

UW Hindbrain Malformation Research Program, University of Washington
Classification: Likely pathogenic for Joubert syndrome 2. Last evaluated: 2015-02-23. Review status: flagged submission. Criteria: Bachmann-Gagescu et al. (J Med Genet. 2015). Collection method: research. Allele origin: unknown. Affected: yes. Not counted in ClinVar's aggregate classification.
ClinVar note: Reason: Older and outlier claim with insufficient supporting evidence

Literature cited by the submitters: PubMed 26092869 (cited by Women's Health and Genetics/Laboratory Corporation of America, LabCorp).